The following is an entry in ClinVar:

ClinVar aggregate classification (germline): Pathogenic. Review status: criteria provided, single submitter (1 of 4 stars). 2 submissions from 2 submitters: Pathogenic (1). 1 of the submissions does not count toward it. Last evaluated 2025-03-03.

Conditions:
Ehlers-Danlos syndrome, type 4 (EDSVASC). Also called: Ehlers-Danlos syndrome vascular type; Ehlers Danlos syndrome, ecchymotic type; Ehlers Danlos syndrome, arterial type; Ehlers Danlos syndrome, Sack-Barabas type; Ehlers-Danlos Syndrome Type IV. Identifiers: Orphanet 286, MedGen C0268338, MONDO:0017314, OMIM 130050.

Submissions (2):

Labcorp Genetics (formerly Invitae), Labcorp
Classification: Pathogenic for Ehlers-Danlos syndrome, type 4. Last evaluated: 2025-03-03. Review status: criteria provided, single submitter. Criteria: Invitae Variant Classification Sherloc (09022015). Collection method: clinical testing. Allele origin: germline.
Comment: This sequence change affects a donor splice site in intron 36 of the COL3A1 gene. It is expected to disrupt RNA splicing. Variants that disrupt the donor or acceptor splice site typically lead to a loss of protein function (PMID: 16199547), and loss-of-function variants in COL3A1 are known to be pathogenic (PMID: 24922459). This variant is not present in population databases (gnomAD no frequency). Disruption of this splice site has been observed in individuals with Ehlers-Danlos syndrome (PMID: 24922459; internal data). ClinVar contains an entry for this variant (Variation ID: 101443). Algorithms developed to predict the effect of sequence changes on RNA splicing suggest that this variant may disrupt the consensus splice site. For these reasons, this variant has been classified as Pathogenic.

Collagen Diagnostic Laboratory, University of Washington
Classification: Pathogenic for Ehlers-Danlos syndrome, type 4. Review status: no assertion criteria provided. Collection method: clinical testing. Allele origin: germline. Affected: yes. Not counted in ClinVar's aggregate classification.

Literature cited by the submitters: PubMed 16199547 (cited by Labcorp Genetics (formerly Invitae), Labcorp); PubMed 24922459 (cited by Labcorp Genetics (formerly Invitae), Labcorp); PubMed 10706896 (cited by Collagen Diagnostic Laboratory, University of Washington); PubMed 9399899 (cited by Collagen Diagnostic Laboratory, University of Washington).

NM_000090.4(COL3A1):c.2553+2T>C

Gene: COL3A1 (collagen type III alpha 1 chain; plus strand). Cytogenetic location: 2q32.2.
Variant type: single nucleotide variant.
Coding change: c.2553+2T>C on transcript NM_000090.4 (MANE Select); the canonical splice donor site of the intron after coding-DNA position 2553, T replaced by C.
Molecular consequence: splice donor variant.
Genome position (GRCh38, 1-based): chr2:189,003,064, T>C. VCF-style: chr2-189003064-T-C. GRCh37 (hg19) VCF-style: chr2-189867790-T-C.
Identifiers: ClinVar variation 101443 (VCV000101443.3), dbSNP rs587779684, ClinGen allele CA005474.